The following is an entry in ClinVar:

ClinVar aggregate classification (germline): Pathogenic/Likely pathogenic. Review status: criteria provided, multiple submitters, no conflicts (2 of 4 stars). 7 submissions from 7 submitters: Pathogenic (4); Likely pathogenic (1). 2 of the submissions do not count toward it. Last evaluated 2025-05-15.

Conditions:
Bardet-Biedl syndrome 22 (BBS22). Identifiers: MedGen C5561936, MONDO:0014926, OMIM 617119.
Joubert syndrome 40. Identifiers: MedGen C5562007, MONDO:0030462, OMIM 619582.
Spermatogenic failure 58. Identifiers: MedGen C5562008, MONDO:0030463, OMIM 619585.
Inborn genetic diseases. Identifiers: MedGen C0950123, MeSH D030342.
Bardet-Biedl syndrome (BBS). Identifiers: Orphanet 110, MedGen C0752166, MONDO:0015229.
IFT74-related disorder. Also called: IFT74-related condition; IFT74-Related Disorders.

Allele frequency attached by ClinVar (database versions not stated): gnomAD 0.00004 and 0.00007; TOPMed 0.00005; gnomAD exomes 0.00009; ExAC 0.00015; 1000 Genomes Project 0.00060; 1000 Genomes Project 30x 0.00078.
gnomAD v4.1: 30 of 1,500,516 alleles (0.002%); highest among the groups gnomAD compares: East Asian, 0.067%; no homozygotes.

Submissions (7):

Labcorp Genetics (formerly Invitae), Labcorp
Classification: Pathogenic. Last evaluated: 2025-05-15. Review status: criteria provided, single submitter. Criteria: Invitae Variant Classification Sherloc (09022015). Collection method: clinical testing. Allele origin: germline.
Comment: This sequence change replaces glutamine, which is neutral and polar, with glutamic acid, which is acidic and polar, at codon 179 of the IFT74 protein (p.Gln179Glu). This variant is present in population databases (rs150219690, gnomAD 0.1%). This missense change has been observed in individual(s) with Joubert syndrome and related disorders (PMID: 33531668, 34539760). In at least one individual the data is consistent with being in trans (on the opposite chromosome) from a pathogenic variant. It has also been observed to segregate with disease in related individuals. ClinVar contains an entry for this variant (Variation ID: 1300249). An algorithm developed to predict the effect of missense changes on protein structure and function (PolyPhen-2) suggests that this variant is likely to be tolerated. Experimental studies have shown that this missense change affects IFT74 function (PMID: 33531668). For these reasons, this variant has been classified as Pathogenic.

Department of Pathology and Laboratory Medicine, Sinai Health System
Classification: Pathogenic for Bardet-Biedl syndrome. Last evaluated: 2023-09-18. Review status: criteria provided, single submitter. Criteria: ACMG Guidelines, 2015. Collection method: research. Allele origin: germline.

Ambry Genetics
Classification: Pathogenic for Inborn genetic diseases. Last evaluated: 2022-10-13. Review status: criteria provided, single submitter. Criteria: Ambry Variant Classification Scheme 2023. Collection method: clinical testing. Allele origin: germline.
Comment: The c.535C>G (p.Q179E) alteration is located in exon 8 (coding exon 7) of the IFT74 gene. This alteration results from a C to G substitution at nucleotide position 535, causing the glutamine (Q) at amino acid position 179 to be replaced by a glutamic acid (E). Based on data from gnomAD, the G allele has an overall frequency of 0.009% (19/221326) total alleles studied. The highest observed frequency was 0.141% (19/13514) of East Asian alleles. This variant has been detected in trans with other IFT74 variants in multiple individuals with clinical features of Joubert Syndrome and segregated with disease in multiple families (Zhongling, 2021; Luo, 2021). In addition, functional studies in patient-derived fibroblasts show reduced IFT74 protein expression, deficient ciliogenesis, and perturbed hedgehog signaling (Luo, 2021). This amino acid position is well conserved in available vertebrate species. In vivo functional assays show that this alteration is not sufficient to rescue aberrant ciliogenesis in IFT74-deficient zebrafish (Luo, 2021). This alteration is predicted to be tolerated by in silico analysis. Based on the available evidence, this alteration is classified as pathogenic.

SIB Swiss Institute of Bioinformatics
Classification: Likely pathogenic for Joubert syndrome 40. Last evaluated: 2022-04-20. Review status: criteria provided, single submitter. Criteria: ACMG Guidelines, 2015. Collection method: curation. Allele origin: unknown.
Comment: This variant is interpreted as likely pathogenic for Joubert syndrome 40, autosomal recessive. The following ACMG Tag(s) were applied: Absent from controls (or at extremely low frequency if recessive) in Exome Sequencing Project, 1000 Genomes Project, or Exome Aggregation Consortium (PM2); For recessive disorders, detected in trans with a pathogenic variant (PM3 upgraded to strong); Cosegregation with disease in multiple affected family members in a gene definitively known to cause the disease (PP1); Well-established functional studies show a deleterious effect (PS3 downgraded to moderate).

Juno Genomics, Hangzhou Juno Genomics, Inc
Classification: Pathogenic for Spermatogenic failure 58; Bardet-Biedl syndrome 22; Joubert syndrome 40. Review status: criteria provided, single submitter. Criteria: ACMG Guidelines, 2015. Collection method: clinical testing. Allele origin: germline.
Comment: Absent from controls (or at extremely low frequency if recessive) in Genome Aggregation Database.;For recessive disorders, detected in trans with a pathogenic variant.;Patient's phenotype or family history is highly specific for a disease with a single genetic etiology.;Co-segregation with disease in multiple affected family members.;Well-established in vitro or in vivo functional studies supportive of a damaging effect on the gene or gene product.

PreventionGenetics, part of Exact Sciences
Classification: Likely pathogenic for IFT74-related condition. Last evaluated: 2024-05-24. Review status: no assertion criteria provided. Collection method: clinical testing. Allele origin: germline. Not counted in ClinVar's aggregate classification.
Comment: The IFT74 c.535C>G variant is predicted to result in the amino acid substitution p.Gln179Glu. This variant was reported in the compound heterozygous state in multiple individuals with Joubert syndrome (Luo et al. 2021. PubMed ID: 33531668; Zhongling et al. 2021. PubMed ID: 34539760). This variant is reported in 0.14% of alleles in individuals of East Asian descent in gnomAD. In vitro experimental studies suggest this variant impacts protein function (Luo et al. 2021. PubMed ID: 33531668). This variant is interpreted as likely pathogenic.

OMIM
Classification: Pathogenic for JOUBERT SYNDROME 40. Last evaluated: 2021-10-22. Review status: no assertion criteria provided. Collection method: literature only. Allele origin: germline. Not counted in ClinVar's aggregate classification.

Literature cited by the submitters: PubMed 33531668 (cited by 4 submitters); PubMed 34539760 (cited by 3 submitters).

NM_025103.4(IFT74):c.535C>G (p.Gln179Glu)

Gene: IFT74 (intraflagellar transport 74; plus strand). Cytogenetic location: 9p21.2.
Variant type: single nucleotide variant.
Coding change: c.535C>G on transcript NM_025103.4 (MANE Select); coding-DNA position 535, C replaced by G.
Protein change: p.Gln179Glu; replaces glutamine 179 with glutamic acid.
Molecular consequence: missense variant.
Genome position (GRCh38, 1-based): chr9:26,990,143, C>G. VCF-style: chr9-26990143-C-G. GRCh37 (hg19) VCF-style: chr9-26990141-C-G.
Other names: IFT74, GLN179GLU (rs150219690); Q179E; c.535C>G (NM_001099222.1); c.535C>G, p.Gln179Glu (NM_001099222.3, NM_001099223.3, NM_001099224.3 and 1 more transcripts).
Identifiers: ClinVar variation 1300249 (VCV001300249.13), dbSNP rs150219690, ClinGen allele CA5015009.